The following is an entry in ClinVar:

NM_001349253.2(SCN11A):c.2480C>T (p.Ala827Val)

Gene: SCN11A (sodium voltage-gated channel alpha subunit 11; minus strand). Cytogenetic location: 3p22.2.
Variant type: single nucleotide variant.
Coding change: c.2480C>T on transcript NM_001349253.2 (MANE Select); coding-DNA position 2480, C replaced by T.
Protein change: p.Ala827Val; replaces alanine 827 with valine.
Molecular consequence: missense variant.
Genome position (GRCh38, 1-based): chr3:38,894,888, G>A on the plus strand (C>T on the coding strand, the complement: SCN11A is on the minus strand). VCF-style: chr3-38894888-G-A. GRCh37 (hg19) VCF-style: chr3-38936379-G-A.
Other names: c.2480C>T, p.Ala827Val (NM_014139.3); short protein forms A827V.
Identifiers: ClinVar variation 969989 (VCV000969989.6), dbSNP rs779022777, ClinGen allele CA2322030.

ClinVar aggregate classification (germline): Uncertain significance (1 of 4 stars; one submission).

Conditions:
Hereditary sensory and autonomic neuropathy type 7. Also called: HSAN VII; Neuropathy, hereditary sensory and autonomic, type VII. Identifiers: Orphanet 391397, MedGen C3809882, MONDO:0014244, OMIM 615548.
Familial episodic pain syndrome with predominantly lower limb involvement. Also called: Episodic pain syndrome, familial, 3. Identifiers: Orphanet 391384, Orphanet 391392, MedGen C3809899, MONDO:0014247, OMIM 615552.

Allele frequency attached by ClinVar (database versions not stated): gnomAD exomes below 0.00001; ExAC 0.00001; TOPMed 0.00001.

Submission:

Labcorp Genetics (formerly Invitae), Labcorp
Classification: Uncertain significance for Familial episodic pain syndrome with predominantly lower limb involvement; Hereditary sensory and autonomic neuropathy type 7. Last evaluated: 2019-10-10. Review status: criteria provided, single submitter. Criteria: Invitae Variant Classification Sherloc (09022015). Collection method: clinical testing. Allele origin: germline.
Comment: In summary, the available evidence is currently insufficient to determine the role of this variant in disease. Therefore, it has been classified as a Variant of Uncertain Significance. Algorithms developed to predict the effect of sequence changes on RNA splicing suggest that this variant may create or strengthen a splice site, but this prediction has not been confirmed by published transcriptional studies. Algorithms developed to predict the effect of missense changes on protein structure and function output the following: SIFT: "Tolerated"; PolyPhen-2: "Benign"; Align-GVGD: "Class C0". The valine amino acid residue is found in multiple mammalian species, suggesting that this missense change does not adversely affect protein function. These predictions have not been confirmed by published functional studies and their clinical significance is uncertain. This variant has not been reported in the literature in individuals with SCN11A-related conditions. This variant is present in population databases (rs779022777, ExAC 0.02%). This sequence change replaces alanine with valine at codon 827 of the SCN11A protein (p.Ala827Val). The alanine residue is moderately conserved and there is a small physicochemical difference between alanine and valine.